The following is an entry in ClinVar:

ClinVar aggregate classification (germline): Uncertain significance (1 of 4 stars; one submission).

Conditions:
Charcot-Marie-Tooth disease type 2. Also called: Charcot-Marie-Tooth type 2. Identifiers: Orphanet 64746, MedGen C0270914, MONDO:0018993.

Submission:

Labcorp Genetics (formerly Invitae), Labcorp
Classification: Uncertain significance for Charcot-Marie-Tooth disease type 2. Last evaluated: 2020-01-23. Review status: criteria provided, single submitter. Criteria: Invitae Variant Classification Sherloc (09022015). Collection method: clinical testing. Allele origin: germline.
Comment: This variant is not present in population databases (ExAC no frequency). This variant has not been reported in the literature in individuals with KIF1B-related conditions. Algorithms developed to predict the effect of missense changes on protein structure and function are either unavailable or do not agree on the potential impact of this missense change (SIFT: "Deleterious"; PolyPhen-2: "Benign"; Align-GVGD: "Class C0"). In summary, the available evidence is currently insufficient to determine the role of this variant in disease. Therefore, it has been classified as a Variant of Uncertain Significance. This sequence change replaces arginine with glycine at codon 857 of the KIF1B protein (p.Arg857Gly). The arginine residue is moderately conserved and there is a moderate physicochemical difference between arginine and glycine.

NM_001365951.3(KIF1B):c.2707C>G (p.Arg903Gly)

Genes: KIF1B (kinesin family member 1B; plus strand), LOC126805614 (BRD4-independent group 4 enhancer GRCh37_chr1:10385546-10386745; plus strand). Cytogenetic location: 1p36.22.
Variant type: single nucleotide variant.
Coding change: c.2707C>G on transcript NM_001365951.3 (MANE Select); coding-DNA position 2707, C replaced by G.
Protein change: p.Arg903Gly; replaces arginine 903 with glycine.
Molecular consequence: missense variant.
Genome position (GRCh38, 1-based): chr1:10,326,142, C>G. VCF-style: chr1-10326142-C-G. GRCh37 (hg19) VCF-style: chr1-10386200-C-G.
Other names: c.2707C>G, p.Arg903Gly (NM_001365952.1); c.2569C>G, p.Arg857Gly (NM_015074.3); short protein forms R857G, R903G.
Identifiers: ClinVar variation 1036181 (VCV001036181.10), dbSNP rs868254486, ClinGen allele CA338336858.